The following is an entry in ClinVar:

ClinVar aggregate classification (germline): Uncertain significance (1 of 4 stars; one submission).

Conditions:
Myofibrillar myopathy 5. Also called: FILAMINOPATHY, AUTOSOMAL DOMINANT; Filaminopathy (type). Identifiers: Orphanet 171445, MedGen C1836050, MONDO:0012289, OMIM 609524.
Distal myopathy with posterior leg and anterior hand involvement. Also called: WILLIAMS DISTAL MYOPATHY. Identifiers: Orphanet 63273, MedGen C3279722, MONDO:0013550, OMIM 614065.
Hypertrophic cardiomyopathy 26. Also called: Cardiomyopathy, familial hypertrophic, 26. Identifiers: Orphanet 75249, MedGen C4310749, MONDO:0014883, OMIM 617047.

Allele frequency attached by ClinVar (database versions not stated): gnomAD exomes below 0.00001.
gnomAD v4.1: 4 of 1,612,744 alleles (0.00025%); highest among the groups gnomAD compares: Non-Finnish European, 0.00034%; no homozygotes.

Submission:

Labcorp Genetics (formerly Invitae), Labcorp
Classification: Uncertain significance for Distal myopathy with posterior leg and anterior hand involvement; Myofibrillar myopathy 5; Hypertrophic cardiomyopathy 26. Last evaluated: 2025-08-18. Review status: criteria provided, single submitter. Criteria: Invitae Variant Classification Sherloc (09022015). Collection method: clinical testing. Allele origin: germline.
Comment: This sequence change replaces aspartic acid, which is acidic and polar, with asparagine, which is neutral and polar, at codon 2216 of the FLNC protein (p.Asp2216Asn). This variant is not present in population databases (gnomAD no frequency). This variant has not been reported in the literature in individuals affected with FLNC-related conditions. ClinVar contains an entry for this variant (Variation ID: 939965). An algorithm developed to predict the effect of missense changes on protein structure and function (PolyPhen-2) suggests that this variant is likely to be tolerated. In summary, the available evidence is currently insufficient to determine the role of this variant in disease. Therefore, it has been classified as a Variant of Uncertain Significance.

NM_001458.5(FLNC):c.6646G>A (p.Asp2216Asn)

Genes: FLNC (filamin C; plus strand), FLNC-AS1 (FLNC antisense RNA 1; minus strand). Cytogenetic location: 7q32.1.
Variant type: single nucleotide variant.
Coding change: c.6646G>A on transcript NM_001458.5 (MANE Select); coding-DNA position 6646, G replaced by A.
Protein change: p.Asp2216Asn; replaces aspartic acid 2216 with asparagine.
Molecular consequence: missense variant.
Genome position (GRCh38, 1-based): chr7:128,854,135, G>A. VCF-style: chr7-128854135-G-A. GRCh37 (hg19) VCF-style: chr7-128494189-G-A.
Other names: c.6547G>A, p.Asp2183Asn (NM_001127487.2); short protein forms D2216N, D2183N.
Identifiers: ClinVar variation 939965 (VCV000939965.10), dbSNP rs1808947656, ClinGen allele CA369212995.
Genomic context (GRCh38, chr7:128,854,135, plus strand): 5'-ACGCGGGGCGGGGAGACAAAGCGCGAGGTGCGGGTGGAGGAGTCCACCCAGGTCGGCGGG[G>A]ACCCCTTCCCTGCTGTGTTTGGGGACTTCCTGGGCCGGGAGCGCCTGGGATCCTTCGGCA-3'
Protein context (NP_001449.3, residues 2206-2226): RVEESTQVGG[Asp2216Asn]PFPAVFGDFL